The following is an entry in ClinVar:

NM_001356.5(DDX3X):c.380G>A (p.Trp127Ter)

Gene: DDX3X (DEAD-box helicase 3 X-linked; plus strand). Cytogenetic location: Xp11.4.
Variant type: single nucleotide variant.
Coding change: c.380G>A on transcript NM_001356.5 (MANE Select); coding-DNA position 380, G replaced by A.
Protein change: p.Trp127Ter; replaces tryptophan 127 with a stop codon.
Molecular consequence: nonsense. On other transcripts: 5 prime UTR variant (1), non-coding transcript variant (1).
Genome position (GRCh38, 1-based): chrX:41,342,590, G>A. VCF-style: chrX-41342590-G-A. GRCh37 (hg19) VCF-style: chrX-41201843-G-A.
Other names: c.380G>A, p.Trp127Ter (NM_001193416.3); c.332G>A, p.Trp111Ter (NM_001193417.3); c.-179G>A (NM_001363819.1); short protein forms W111*, W127*.
Identifiers: ClinVar variation 986285 (VCV000986285.4), dbSNP rs2063866727, ClinGen allele CA412766215.
Genomic context (GRCh38, chrX:41,342,590, plus strand): 5'-TTGGCAGCCGTGGTGACAGAAGTGGCTTTGGCAAATTTGAACGTGGTGGAAACAGTCGCT[G>A]GTGTGACAAATCAGATGAAGATGATTGGTCAAAACCACTCCCACCAAGTGAACGCTTGGA-3'

ClinVar aggregate classification (germline): Pathogenic (1 of 4 stars; one submission).

Conditions:
Inborn genetic diseases. Identifiers: MedGen C0950123, MeSH D030342.

Submission:

Ambry Genetics
Classification: Pathogenic for Inborn genetic diseases. Last evaluated: 2026-05-08. Review status: criteria provided, single submitter. Criteria: Ambry Variant Classification Scheme 2023. Collection method: clinical testing. Allele origin: germline.
Comment: The c.380G>A (p.W127*) alteration, located in coding exon 5 of the DDX3X gene, consists of a G to A substitution at nucleotide position 380. This changes the amino acid from a tryptophan (W) to a stop codon at amino acid position 127. This variant is expected to result in loss of function by premature protein truncation or nonsense-mediated mRNA decay. This variant was not reported in population-based cohorts in the Genome Aggregation Database (gnomAD). Based on the available evidence, this alteration is classified as pathogenic.